The following is an entry in ClinVar:

ClinVar aggregate classification (germline): Uncertain significance (1 of 4 stars; one submission).

Conditions:
Hereditary cancer-predisposing syndrome. Also called: Tumor predisposition; Hereditary neoplastic syndrome; Neoplastic Syndromes, Hereditary; Hereditary Cancer Syndrome. Identifiers: Orphanet 140162, MedGen C0027672, MeSH D009386, MONDO:0015356.

Submission:

Ambry Genetics
Classification: Uncertain significance for Hereditary cancer-predisposing syndrome. Last evaluated: 2025-05-28. Review status: criteria provided, single submitter. Criteria: Ambry Variant Classification Scheme 2023. Collection method: clinical testing. Allele origin: germline.
Comment: The p.T149S variant (also known as c.445A>T), located in coding exon 3 of the CDK4 gene, results from an A to T substitution at nucleotide position 445. The threonine at codon 149 is replaced by serine, an amino acid with similar properties. This amino acid position is well conserved in available vertebrate species. In addition, this alteration is predicted to be tolerated by in silico analysis. Based on the available evidence, the clinical significance of this variant remains unclear.

NM_000075.4(CDK4):c.445A>T (p.Thr149Ser)

Gene: CDK4 (cyclin dependent kinase 4; minus strand). Cytogenetic location: 12q14.1.
Variant type: single nucleotide variant.
Coding change: c.445A>T on transcript NM_000075.4 (MANE Select); coding-DNA position 445, A replaced by T.
Protein change: p.Thr149Ser; replaces threonine 149 with serine.
Molecular consequence: missense variant.
Genome position (GRCh38, 1-based): chr12:57,751,000, T>A on the plus strand (A>T on the coding strand, the complement: CDK4 is on the minus strand). VCF-style: chr12-57751000-T-A. GRCh37 (hg19) VCF-style: chr12-58144783-T-A.
Other names: short protein forms T149S.
Identifiers: ClinVar variation 3999647 (VCV003999647.1).
Genomic context (GRCh38, chr12:57,751,000, plus strand): 5'-TCTGGTAGCTGTAGATTCTGGCCAGGCCAAAGTCAGCCAGCTTGACTGTTCCACCACTTG[T>A]CACCAGAATGTTCTCTGGCTTCAGATCTCGGTGAACGATGCAATTGGCATGAAGGAAATC-3'
Protein context (NP_000066.1, residues 139-159): RDLKPENILV[Thr149Ser]SGGTVKLADF